The following is an entry in ClinVar:

ClinVar aggregate classification (germline): Uncertain significance (1 of 4 stars; one submission).

Conditions:
Sterile multifocal osteomyelitis with periostitis and pustulosis. Also called: CHRONIC RECURRENT MULTIFOCAL OSTEOMYELITIS 2, WITH PERIOSTITIS AND PUSTULOSIS. Identifiers: Orphanet 210115, MedGen C2748507, MONDO:0013021, OMIM 612852.

Submission:

Labcorp Genetics (formerly Invitae), Labcorp
Classification: Uncertain significance for Sterile multifocal osteomyelitis with periostitis and pustulosis. Last evaluated: 2020-01-15. Review status: criteria provided, single submitter. Criteria: Invitae Variant Classification Sherloc (09022015). Collection method: clinical testing. Allele origin: germline.
Comment: In summary, the available evidence is currently insufficient to determine the role of this variant in disease. Therefore, it has been classified as a Variant of Uncertain Significance. Experimental studies and prediction algorithms are not available or were not evaluated, and the functional significance of this variant is currently unknown. This variant has not been reported in the literature in individuals with IL1RN-related conditions. This variant is not present in population databases (ExAC no frequency). This sequence change results in a frameshift in the IL1RN gene (p.Asp132Valfs*121). While this is not anticipated to result in nonsense mediated decay, it is expected to disrupt the last 49 amino acids of the IL1RN protein and extend the protein by an additional 72 amino acids.

NM_173842.3(IL1RN):c.386_389del (p.Asp129fs)

Gene: IL1RN (interleukin 1 receptor antagonist; plus strand). Cytogenetic location: 2q14.1.
Variant type: Deletion.
Coding change: c.386_389del on transcript NM_173842.3 (MANE Select); coding-DNA positions 386 to 389, 4 bases deleted (ACAG; older notation c.386_389delACAG).
Protein change: p.Asp129fs; shifts the reading frame from aspartic acid 129.
Molecular consequence: frameshift variant.
Genome position (GRCh38, 1-based): chr2:113,132,723-113,132,726, ACAG deleted; deleting any 4 consecutive bases within chr2:113,132,720-113,132,726 gives the same sequence; the c. name uses the placement nearest the transcript's 3' end. VCF-style (leftmost placement, unchanged base first): chr2-113132719-TCAGA-T. GRCh37 (hg19) VCF-style: chr2-113890296-TCAGA-T.
Other names: c.332_335del, p.Asp111fs (NM_000577.5); c.284_287del, p.Asp95fs (NM_001318914.2, NM_001379360.1, NM_173843.3); c.395_398del, p.Asp132fs (NM_173841.3); short protein forms D111fs, D129fs, D132fs, D95fs.
Identifiers: ClinVar variation 1054879 (VCV001054879.10), dbSNP rs2104462417, ClinGen allele CA2499214957.